The following is an entry in ClinVar:

NM_004606.5(TAF1):c.4455AGA[1] (p.Glu1486del)

Gene: TAF1 (TATA-box binding protein associated factor 1; plus strand). Cytogenetic location: Xq13.1.
Variant type: Microsatellite.
Coding change: c.4455AGA[1] on transcript NM_004606.5 (MANE Select); one copy of the 3-base unit AGA starting at c.4455; the reference has two copies in a row; one copy, 3 bases deleted.
Protein change: p.Glu1486del; deletes glutamic acid 1486.
Molecular consequence: non-coding transcript variant (on NR_104387.2).
Genome position (GRCh38, 1-based): chrX:71,423,122-71,423,124, AGA deleted; deleting any 3 consecutive bases within chrX:71,423,118-71,423,124 gives the same sequence; the position shown is the placement nearest the transcript's 3' end. VCF-style (leftmost placement, unchanged base first): chrX-71423117-AAAG-A. GRCh37 (hg19) VCF-style: chrX-70642967-AAAG-A.
Other names: c.4455AGA[1], p.Glu1486del (NM_001286074.2); c.4392AGA[1], p.Glu1465del (NM_138923.4); short protein forms E1486del, E1465del.
Identifiers: ClinVar variation 3687447 (VCV003687447.2).

ClinVar aggregate classification (germline): Uncertain significance (1 of 4 stars; one submission).

Submission:

Labcorp Genetics (formerly Invitae), Labcorp
Classification: Uncertain significance. Last evaluated: 2025-06-23. Review status: criteria provided, single submitter. Criteria: Invitae Variant Classification Sherloc (09022015). Collection method: clinical testing. Allele origin: germline.
Comment: This variant, c.4518_4520del, results in the deletion of 1 amino acid(s) of the TAF1 protein (p.Glu1506del), but otherwise preserves the integrity of the reading frame. This variant is not present in population databases (gnomAD no frequency). This variant has not been reported in the literature in individuals affected with TAF1-related conditions. Experimental studies and prediction algorithms are not available or were not evaluated, and the functional significance of this variant is currently unknown. In summary, the available evidence is currently insufficient to determine the role of this variant in disease. Therefore, it has been classified as a Variant of Uncertain Significance.